The following is an entry in ClinVar:

NM_017763.6(RNF43):c.1162C>T (p.His388Tyr)

Gene: RNF43 (ring finger protein 43; minus strand). Cytogenetic location: 17q22.
Variant type: single nucleotide variant.
Coding change: c.1162C>T on transcript NM_017763.6 (MANE Select); coding-DNA position 1162, C replaced by T.
Protein change: p.His388Tyr; replaces histidine 388 with tyrosine.
Molecular consequence: missense variant.
Genome position (GRCh38, 1-based): chr17:58,358,614, G>A on the plus strand (C>T on the coding strand, the complement: RNF43 is on the minus strand). VCF-style: chr17-58358614-G-A. GRCh37 (hg19) VCF-style: chr17-56435975-G-A.
Other names: c.1162C>T, p.His388Tyr (NM_001305544.3); c.781C>T, p.His261Tyr (NM_001305545.2); short protein forms H261Y, H388Y.
Identifiers: ClinVar variation 3622554 (VCV003622554.2).

ClinVar aggregate classification (germline): Uncertain significance (1 of 4 stars; one submission).

gnomAD v4.1: 1 of 1,561,984 alleles (0.000064%); no homozygotes.

Submission:

Labcorp Genetics (formerly Invitae), Labcorp
Classification: Uncertain significance. Last evaluated: 2024-04-16. Review status: criteria provided, single submitter. Criteria: Invitae Variant Classification Sherloc (09022015). Collection method: clinical testing. Allele origin: germline.
Comment: This sequence change replaces histidine, which is basic and polar, with tyrosine, which is neutral and polar, at codon 388 of the RNF43 protein (p.His388Tyr). This variant is not present in population databases (gnomAD no frequency). This variant has not been reported in the literature in individuals affected with RNF43-related conditions. An algorithm developed to predict the effect of missense changes on protein structure and function (PolyPhen-2) suggests that this variant is likely to be tolerated. In summary, the available evidence is currently insufficient to determine the role of this variant in disease. Therefore, it has been classified as a Variant of Uncertain Significance.